The following is an entry in ClinVar:

ClinVar aggregate classification (germline): Uncertain significance. Review status: criteria provided, multiple submitters, no conflicts (2 of 4 stars). 3 submissions from 3 submitters: Uncertain significance (3). Last evaluated 2025-01-19.

Conditions:
Hereditary cancer-predisposing syndrome. Also called: Neoplastic Syndromes, Hereditary; Tumor predisposition; Hereditary neoplastic syndrome; Hereditary Cancer Syndrome. Identifiers: Orphanet 140162, MedGen C0027672, MeSH D009386, MONDO:0015356.
Familial adenomatous polyposis 1 (FAP1). Also called: POLYPOSIS, ADENOMATOUS INTESTINAL; FAMILIAL ADENOMATOUS POLYPOSIS 1, ATTENUATED. Identifiers: MedGen C2713442, MONDO:0021056, OMIM 175100. Disease mechanism: loss of function.

Submissions (3):

Labcorp Genetics (formerly Invitae), Labcorp
Classification: Uncertain significance for Familial adenomatous polyposis 1. Last evaluated: 2025-01-19. Review status: criteria provided, single submitter. Criteria: Invitae Variant Classification Sherloc (09022015). Collection method: clinical testing. Allele origin: germline.
Comment: This sequence change replaces serine, which is neutral and polar, with cysteine, which is neutral and slightly polar, at codon 2469 of the APC protein (p.Ser2469Cys). This variant is not present in population databases (gnomAD no frequency). This variant has not been reported in the literature in individuals affected with APC-related conditions. ClinVar contains an entry for this variant (Variation ID: 628439). Invitae Evidence Modeling of protein sequence and biophysical properties (such as structural, functional, and spatial information, amino acid conservation, physicochemical variation, residue mobility, and thermodynamic stability) indicates that this missense variant is not expected to disrupt APC protein function with a negative predictive value of 95%. In summary, the available evidence is currently insufficient to determine the role of this variant in disease. Therefore, it has been classified as a Variant of Uncertain Significance.

Ambry Genetics
Classification: Uncertain significance for Hereditary cancer-predisposing syndrome. Last evaluated: 2023-08-03. Review status: criteria provided, single submitter. Criteria: Ambry Variant Classification Scheme 2023. Collection method: clinical testing. Allele origin: germline.
Comment: The p.S2469C variant (also known as c.7406C>G), located in coding exon 15 of the APC gene, results from a C to G substitution at nucleotide position 7406. The serine at codon 2469 is replaced by cysteine, an amino acid with dissimilar properties. This amino acid position is highly conserved in available vertebrate species. In addition, in silico predictors for this gene do not accurately predict pathogenicity. Since supporting evidence is limited at this time, the clinical significance of this alteration remains unclear.

Color Diagnostics, LLC DBA Color Health
Classification: Uncertain significance for Hereditary cancer-predisposing syndrome. Last evaluated: 2019-05-29. Review status: criteria provided, single submitter. Criteria: ACMG Guidelines, 2015. Collection method: clinical testing. Allele origin: germline.

NM_000038.6(APC):c.7406C>G (p.Ser2469Cys)

Gene: APC (APC regulator of Wnt signaling pathway; plus strand). Cytogenetic location: 5q22.2.
Variant type: single nucleotide variant.
Coding change: c.7406C>G on transcript NM_000038.6 (MANE Select); coding-DNA position 7406, C replaced by G.
Protein change: p.Ser2469Cys; replaces serine 2469 with cysteine.
Molecular consequence: missense variant.
Genome position (GRCh38, 1-based): chr5:112,843,000, C>G. VCF-style: chr5-112843000-C-G. GRCh37 (hg19) VCF-style: chr5-112178697-C-G.
Other names: c.7406C>G, p.Ser2469Cys (NM_001127510.3, NM_001354895.2); c.7352C>G, p.Ser2451Cys (NM_001127511.3); c.7460C>G, p.Ser2487Cys (NM_001354896.2); c.7436C>G, p.Ser2479Cys (NM_001354897.2); c.7331C>G, p.Ser2444Cys (NM_001354898.2); c.7322C>G, p.Ser2441Cys (NM_001354899.2); c.7283C>G, p.Ser2428Cys (NM_001354900.2); c.7229C>G, p.Ser2410Cys (NM_001354901.2); and 5 more; short protein forms S2469C, S2451C, S2309C, S2343C, S2368C, S2410C, S2428C, S2479C.
Identifiers: ClinVar variation 628439 (VCV000628439.10), dbSNP rs1561615265, ClinGen allele CA16037453.